The following is an entry in ClinVar:

NM_016107.5(ZFR):c.1510T>A (p.Phe504Ile)

Gene: ZFR (zinc finger RNA binding protein; minus strand). Cytogenetic location: 5p13.3.
Variant type: single nucleotide variant.
Coding change: c.1510T>A on transcript NM_016107.5 (MANE Select); coding-DNA position 1510, T replaced by A.
Protein change: p.Phe504Ile; replaces phenylalanine 504 with isoleucine.
Molecular consequence: missense variant. On other transcripts: non-coding transcript variant (1).
Genome position (GRCh38, 1-based): chr5:32,403,112, A>T on the plus strand (T>A on the coding strand, the complement: ZFR is on the minus strand). VCF-style: chr5-32403112-A-T. GRCh37 (hg19) VCF-style: chr5-32403217-A-T.
Other names: short protein forms F504I.
Identifiers: ClinVar variation 1905918 (VCV001905918.5), dbSNP rs1753504126, ClinGen allele CA359359424.

ClinVar aggregate classification (germline): Uncertain significance (1 of 4 stars; one submission).

Conditions:
Pure or complex autosomal recessive spastic paraplegia. Identifiers: Orphanet 320346, MedGen C5679887, MONDO:0017915.

Allele frequency attached by ClinVar (database versions not stated): gnomAD exomes below 0.00001; TOPMed 0.00001.
gnomAD v4.1: 2 of 1,613,604 alleles (0.00012%); highest among the groups gnomAD compares: Admixed American, 0.0017%; no homozygotes.

Submission:

Labcorp Genetics (formerly Invitae), Labcorp
Classification: Uncertain significance for Pure or complex autosomal recessive spastic paraplegia. Last evaluated: 2022-03-26. Review status: criteria provided, single submitter. Criteria: Invitae Variant Classification Sherloc (09022015). Collection method: clinical testing. Allele origin: germline.
Comment: This variant has not been reported in the literature in individuals affected with ZFR-related conditions. In summary, the available evidence is currently insufficient to determine the role of this variant in disease. Therefore, it has been classified as a Variant of Uncertain Significance. Algorithms developed to predict the effect of missense changes on protein structure and function are either unavailable or do not agree on the potential impact of this missense change (SIFT: "Deleterious"; PolyPhen-2: "Not Available"; Align-GVGD: "Class C0"). This variant is not present in population databases (gnomAD no frequency). This sequence change replaces phenylalanine, which is neutral and non-polar, with isoleucine, which is neutral and non-polar, at codon 504 of the ZFR protein (p.Phe504Ile).